The following is an entry in ClinVar:

ClinVar aggregate classification (germline): Uncertain significance (1 of 4 stars; one submission).

Submission:

Labcorp Genetics (formerly Invitae), Labcorp
Classification: Uncertain significance. Last evaluated: 2023-07-16. Review status: criteria provided, single submitter. Criteria: Invitae Variant Classification Sherloc (09022015). Collection method: clinical testing. Allele origin: germline.
Comment: In summary, the available evidence is currently insufficient to determine the role of this variant in disease. Therefore, it has been classified as a Variant of Uncertain Significance. Algorithms developed to predict the effect of sequence changes on RNA splicing suggest that this variant may create or strengthen a splice site. Advanced modeling of protein sequence and biophysical properties (such as structural, functional, and spatial information, amino acid conservation, physicochemical variation, residue mobility, and thermodynamic stability) performed at Invitae indicates that this missense variant is not expected to disrupt DCHS1 protein function. This variant has not been reported in the literature in individuals affected with DCHS1-related conditions. This variant is not present in population databases (gnomAD no frequency). This sequence change replaces alanine, which is neutral and non-polar, with serine, which is neutral and polar, at codon 2075 of the DCHS1 protein (p.Ala2075Ser).

NM_003737.4(DCHS1):c.6223G>T (p.Ala2075Ser)

Gene: DCHS1 (dachsous cadherin-related 1; minus strand). Cytogenetic location: 11p15.4.
Variant type: single nucleotide variant.
Coding change: c.6223G>T on transcript NM_003737.4 (MANE Select); coding-DNA position 6223, G replaced by T.
Protein change: p.Ala2075Ser; replaces alanine 2075 with serine.
Molecular consequence: missense variant.
Genome position (GRCh38, 1-based): chr11:6,626,816, C>A on the plus strand (G>T on the coding strand, the complement: DCHS1 is on the minus strand). VCF-style: chr11-6626816-C-A. GRCh37 (hg19) VCF-style: chr11-6648047-C-A.
Other names: short protein forms A2075S.
Identifiers: ClinVar variation 2743955 (VCV002743955.3), dbSNP rs1323619507, ClinGen allele CA379388714.
Genomic context (GRCh38, chr11:6,626,816, plus strand): 5'-GTCTGAATCTGGAAGAAATGGCTGGGGACCCACCTGGGGGCGCATTCTCACGAATCGTAG[C>A]CTCACTGCTAGCCCGGGGAAAGCGGGGTCCACGCTCAGCTTCCCCCTGCAGTCCAACAAT-3'
Protein context (NP_003728.1, residues 2065-2085): GPRFPRASSE[Ala2075Ser]TIRENAPPGT